The following is an entry in ClinVar:

ClinVar aggregate classification (germline): Uncertain significance (1 of 4 stars; one submission).

Submission:

Labcorp Genetics (formerly Invitae), Labcorp
Classification: Uncertain significance. Last evaluated: 2025-10-04. Review status: criteria provided, single submitter. Criteria: Invitae Variant Classification Sherloc (09022015). Collection method: clinical testing. Allele origin: germline.
Comment: This sequence change falls in intron 11 of the CTU2 gene. It does not directly change the encoded amino acid sequence of the CTU2 protein. It affects a nucleotide within the consensus splice site. This variant is not present in population databases (gnomAD no frequency). This variant has not been reported in the literature in individuals affected with CTU2-related conditions. Variants that disrupt the consensus splice site are a relatively common cause of aberrant splicing (PMID: 17576681, 9536098). Algorithms developed to predict the effect of sequence changes on RNA splicing suggest that this variant may disrupt the consensus splice site. In summary, the available evidence is currently insufficient to determine the role of this variant in disease. Therefore, it has been classified as a Variant of Uncertain Significance.

Literature cited by the submitters: PubMed 17576681; PubMed 9536098.

NM_001012759.3(CTU2):c.1201+5G>A

Gene: CTU2 (cytosolic thiouridylase subunit 2; plus strand). Cytogenetic location: 16q24.3.
Variant type: single nucleotide variant.
Coding change: c.1201+5G>A on transcript NM_001012759.3 (MANE Select); 5 bases into the intron after coding-DNA position 1201, G replaced by A.
Molecular consequence: intron variant.
Genome position (GRCh38, 1-based): chr16:88,714,491, G>A. VCF-style: chr16-88714491-G-A. GRCh37 (hg19) VCF-style: chr16-88780899-G-A.
Other names: c.1414+5G>A (NM_001318507.2); c.1201+5G>A (NM_001012762.3); c.940+5G>A (NM_001318513.2).
Identifiers: ClinVar variation 4803279 (VCV004803279.1).